The following is an entry in ClinVar:

ClinVar aggregate classification (germline): Uncertain significance (1 of 4 stars; one submission).

Conditions:
Muscular dystrophy-dystroglycanopathy (congenital with brain and eye anomalies), type A2. Also called: MUSCULAR DYSTROPHY-DYSTROGLYCANOPATHY (CONGENITAL WITH BRAIN AND EYE ANOMALIES), TYPE A, 2; WALKER-WARBURG SYNDROME OR MUSCLE-EYE-BRAIN DISEASE, POMT2-RELATED. Identifiers: Orphanet 588, Orphanet 899, MedGen C3150411, MONDO:0013154, OMIM 613150.
Autosomal recessive limb-girdle muscular dystrophy type 2N. Also called: MUSCULAR DYSTROPHY-DYSTROGLYCANOPATHY, LIMB-GIRDLE, POMT2-RELATED; Muscular dystrophy-dystroglycanopathy (limb-girdle), type C, 2. Identifiers: Orphanet 206559, MedGen C3150418, MONDO:0013162, OMIM 613158.
Muscular dystrophy-dystroglycanopathy (congenital with impaired intellectual development), type B, 2. Also called: MUSCULAR DYSTROPHY, CONGENITAL, POMT2-RELATED; Muscular dystrophy-dystroglycanopathy (congenital with intellectual disability), type B2. Identifiers: MedGen C3150416, MONDO:0013160, OMIM 613156.

Allele frequency attached by ClinVar (database versions not stated): gnomAD exomes below 0.00001.
gnomAD v4.1: 5 of 1,613,078 alleles (0.00031%); highest among the groups gnomAD compares: African/African-American, 0.0013%; no homozygotes.

Submission:

Labcorp Genetics (formerly Invitae), Labcorp
Classification: Uncertain significance for Muscular dystrophy-dystroglycanopathy (congenital with impaired intellectual development), type B, 2; Muscular dystrophy-dystroglycanopathy (congenital with brain and eye anomalies), type A2; Autosomal recessive limb-girdle muscular dystrophy type 2N. Last evaluated: 2023-07-17. Review status: criteria provided, single submitter. Criteria: Invitae Variant Classification Sherloc (09022015). Collection method: clinical testing. Allele origin: germline.
Comment: This sequence change replaces alanine, which is neutral and non-polar, with serine, which is neutral and polar, at codon 630 of the POMT2 protein (p.Ala630Ser). This variant is not present in population databases (gnomAD no frequency). This variant has not been reported in the literature in individuals affected with POMT2-related conditions. ClinVar contains an entry for this variant (Variation ID: 1402846). Advanced modeling of protein sequence and biophysical properties (such as structural, functional, and spatial information, amino acid conservation, physicochemical variation, residue mobility, and thermodynamic stability) has been performed at Invitae for this missense variant, however the output from this modeling did not meet the statistical confidence thresholds required to predict the impact of this variant on POMT2 protein function. In summary, the available evidence is currently insufficient to determine the role of this variant in disease. Therefore, it has been classified as a Variant of Uncertain Significance.

NM_013382.7(POMT2):c.1888G>T (p.Ala630Ser)

Gene: POMT2 (protein O-mannosyltransferase 2; minus strand). Cytogenetic location: 14q24.3.
Variant type: single nucleotide variant.
Coding change: c.1888G>T on transcript NM_013382.7 (MANE Select); coding-DNA position 1888, G replaced by T.
Protein change: p.Ala630Ser; replaces alanine 630 with serine.
Molecular consequence: missense variant.
Genome position (GRCh38, 1-based): chr14:77,279,826, C>A on the plus strand (G>T on the coding strand, the complement: POMT2 is on the minus strand). VCF-style: chr14-77279826-C-A. GRCh37 (hg19) VCF-style: chr14-77746169-C-A.
Other names: short protein forms A630S.
Identifiers: ClinVar variation 1402846 (VCV001402846.6), dbSNP rs111857094, ClinGen allele CA263818436.